The following is an entry in ClinVar:

NM_003919.3(SGCE):c.61G>A (p.Gly21Arg)

Gene: SGCE (sarcoglycan epsilon; minus strand). Cytogenetic location: 7q21.3.
Variant type: single nucleotide variant.
Coding change: c.61G>A on transcript NM_003919.3 (MANE Select); coding-DNA position 61, G replaced by A.
Protein change: p.Gly21Arg; replaces glycine 21 with arginine.
Molecular consequence: missense variant. On other transcripts: 5 prime UTR variant (4).
Genome position (GRCh38, 1-based): chr7:94,656,038, C>T on the plus strand (G>A on the coding strand, the complement: SGCE is on the minus strand). VCF-style: chr7-94656038-C-T. GRCh37 (hg19) VCF-style: chr7-94285350-C-T.
Other names: c.61G>A, p.Gly21Arg (NM_001099400.2, NM_001099401.2, NM_001301139.2 and 4 more transcripts); c.-197G>A (NM_001346719.2); c.-275G>A (NM_001346720.2, NM_001362808.2); c.-203G>A (NM_001362807.2); short protein forms G21R.
Identifiers: ClinVar variation 2846764 (VCV002846764.3), dbSNP rs1808624707, ClinGen allele CA368393641.

ClinVar aggregate classification (germline): Uncertain significance (1 of 4 stars; one submission).

Conditions:
Myoclonic dystonia 11 (DYT11). Also called: Myoclonic dystonia; Dystonia 11; Dystonia, alcohol responsive; Hereditary essential myoclonus; SGCE Myoclonus-Dystonia; Myoclonus-Dystonia. Identifiers: Orphanet 36899, MedGen C1834570, MONDO:0008044, OMIM 159900.

Allele frequency attached by ClinVar (database versions not stated): gnomAD exomes below 0.00001.
gnomAD v4.1: 1 of 1,613,602 alleles (0.000062%); highest among the groups gnomAD compares: South Asian, 0.0011%; no homozygotes.

Submission:

Labcorp Genetics (formerly Invitae), Labcorp
Classification: Uncertain significance for Myoclonic dystonia 11. Last evaluated: 2023-06-22. Review status: criteria provided, single submitter. Criteria: Invitae Variant Classification Sherloc (09022015). Collection method: clinical testing. Allele origin: germline.
Comment: This sequence change replaces glycine, which is neutral and non-polar, with arginine, which is basic and polar, at codon 21 of the SGCE protein (p.Gly21Arg). This variant is not present in population databases (gnomAD no frequency). This variant has not been reported in the literature in individuals affected with SGCE-related conditions. An algorithm developed to predict the effect of missense changes on protein structure and function (PolyPhen-2) suggests that this variant is likely to be tolerated. In summary, the available evidence is currently insufficient to determine the role of this variant in disease. Therefore, it has been classified as a Variant of Uncertain Significance.